The following is an entry in ClinVar:

NM_032608.7(MYO18B):c.6272A>C (p.Asp2091Ala)

Gene: MYO18B (myosin XVIIIB; plus strand). Cytogenetic location: 22q12.1.
Variant type: single nucleotide variant.
Coding change: c.6272A>C on transcript NM_032608.7 (MANE Select); coding-DNA position 6272, A replaced by C.
Protein change: p.Asp2091Ala; replaces aspartic acid 2091 with alanine.
Molecular consequence: missense variant.
Genome position (GRCh38, 1-based): chr22:25,992,478, A>C. VCF-style: chr22-25992478-A-C. GRCh37 (hg19) VCF-style: chr22-26388444-A-C.
Other names: c.6275A>C, p.Asp2092Ala (NM_001318245.2); short protein forms D2091A, D2092A.
Identifiers: ClinVar variation 2124655 (VCV002124655.4), dbSNP rs2518267729, ClinGen allele CA411006400.

ClinVar aggregate classification (germline): Uncertain significance (1 of 4 stars; one submission).

Allele frequency attached by ClinVar (database versions not stated): gnomAD exomes below 0.00001.
gnomAD v4.1: 1 of 1,613,986 alleles (0.000062%); highest among the groups gnomAD compares: Non-Finnish European, 0.000085%; no homozygotes.

Submission:

Labcorp Genetics (formerly Invitae), Labcorp
Classification: Uncertain significance. Last evaluated: 2022-06-22. Review status: criteria provided, single submitter. Criteria: Invitae Variant Classification Sherloc (09022015). Collection method: clinical testing. Allele origin: germline.
Comment: In summary, the available evidence is currently insufficient to determine the role of this variant in disease. Therefore, it has been classified as a Variant of Uncertain Significance. Algorithms developed to predict the effect of missense changes on protein structure and function are either unavailable or do not agree on the potential impact of this missense change (SIFT: "Not Available"; PolyPhen-2: "Possibly Damaging"; Align-GVGD: "Not Available"). This variant has not been reported in the literature in individuals affected with MYO18B-related conditions. This variant is not present in population databases (gnomAD no frequency). This sequence change replaces aspartic acid, which is acidic and polar, with alanine, which is neutral and non-polar, at codon 2091 of the MYO18B protein (p.Asp2091Ala).